The following is an entry in ClinVar:

NM_001367561.1(DOCK7):c.5205T>C (p.Cys1735=)

Gene: DOCK7 (dedicator of cytokinesis 7; minus strand). Cytogenetic location: 1p31.3.
Variant type: single nucleotide variant.
Coding change: c.5205T>C on transcript NM_001367561.1 (MANE Select); coding-DNA position 5205, T replaced by C.
Protein change: p.Cys1735=; no amino-acid change (cysteine 1735 retained).
Molecular consequence: synonymous variant.
Genome position (GRCh38, 1-based): chr1:62,494,287, A>G on the plus strand (T>C on the coding strand, the complement: DOCK7 is on the minus strand). VCF-style: chr1-62494287-A-G. GRCh37 (hg19) VCF-style: chr1-62959958-A-G.
Other names: c.5178T>C, p.Cys1726= (NM_001271999.2, NM_001330614.2); c.5085T>C, p.Cys1695= (NM_001272000.2, NM_001272001.2); c.5112T>C, p.Cys1704= (NM_033407.4).
Identifiers: ClinVar variation 2745529 (VCV002745529.17), dbSNP rs2524053235, ClinGen allele CA418006317.

ClinVar aggregate classification (germline): Likely benign. Review status: criteria provided, multiple submitters, no conflicts (2 of 4 stars). 2 submissions from 2 submitters: Likely benign (2). Last evaluated 2024-11-01.

Conditions:
Developmental and epileptic encephalopathy, 23 (DEE23). Also called: Epileptic encephalopathy, early infantile, 23. Identifiers: Orphanet 411986, MedGen C4014492, MONDO:0014371, OMIM 615859.

Submissions (2):

CeGaT Center for Human Genetics Tuebingen
Classification: Likely benign. Last evaluated: 2024-11-01. Review status: criteria provided, single submitter. Criteria: CeGaT Center For Human Genetics Tuebingen Variant Classification Criteria Version 2. Collection method: clinical testing. Allele origin: germline. Affected: yes. Observed: 1 variant allele.
Comment: DOCK7: PM2:Supporting, BP4, BP7

Labcorp Genetics (formerly Invitae), Labcorp
Classification: Likely benign for Developmental and epileptic encephalopathy, 23. Last evaluated: 2023-11-04. Review status: criteria provided, single submitter. Criteria: Invitae Variant Classification Sherloc (09022015). Collection method: clinical testing. Allele origin: germline.